The following is an entry in ClinVar:

NM_001110219.3(GJB6):c.38T>A (p.Val13Asp)

Gene: GJB6 (gap junction protein beta 6; minus strand). Cytogenetic location: 13q12.11.
Variant type: single nucleotide variant.
Coding change: c.38T>A on transcript NM_001110219.3 (MANE Select); coding-DNA position 38, T replaced by A.
Protein change: p.Val13Asp; replaces valine 13 with aspartic acid.
Molecular consequence: missense variant.
Genome position (GRCh38, 1-based): chr13:20,223,443, A>T on the plus strand (T>A on the coding strand, the complement: GJB6 is on the minus strand). VCF-style: chr13-20223443-A-T. GRCh37 (hg19) VCF-style: chr13-20797582-A-T.
Other names: c.38T>A, p.Val13Asp (NM_001370090.1, NM_001370091.1, NM_001370092.1 and 3 more transcripts); short protein forms V13D.
Identifiers: ClinVar variation 4793352 (VCV004793352.1).

ClinVar aggregate classification (germline): Uncertain significance (1 of 4 stars; one submission).

Conditions:
Autosomal dominant nonsyndromic hearing loss 3B. Identifiers: Orphanet 90635, MedGen C2675237, MONDO:0012975, OMIM 612643.
Autosomal recessive nonsyndromic hearing loss 1A (DFNB1A). Also called: Connexin 26 deafness; Deafness nonsyndromic, Connexin 26 linked; GJB6-Related DFNB 1 Nonsyndromic Hearing Loss and Deafness; Deafness, autosomal recessive 1A; Nonsyndromic Hearing Loss and Deafness, DFNB1; GJB2-Related Autosomal Recessive Nonsyndromic Hearing Loss. Identifiers: Orphanet 90636, MedGen C2673759, MONDO:0009076, OMIM 220290.
Hidrotic ectodermal dysplasia syndrome (GJB6). Also called: CLOUSTON HIDROTIC ECTODERMAL DYSPLASIA; Ectodermal dysplasia 2, hidrotic; Autosomal dominant hidrotic ectodermal dysplasia; Clouston syndrome; Clouston's hidrotic ectodermal dysplasia; ECTODERMAL DYSPLASIA 2, CLOUSTON TYPE. Identifiers: Orphanet 189, MedGen C0162361, MONDO:0007510, OMIM 129500.
Autosomal recessive nonsyndromic hearing loss 1B. Also called: DEAFNESS, AUTOSOMAL RECESSIVE 1B. Identifiers: Orphanet 90636, MedGen C2675235, MONDO:0012977, OMIM 612645.

Submission:

Labcorp Genetics (formerly Invitae), Labcorp
Classification: Uncertain significance for Autosomal dominant nonsyndromic hearing loss 3B; Hidrotic ectodermal dysplasia syndrome; Autosomal recessive nonsyndromic hearing loss 1B; Autosomal recessive nonsyndromic hearing loss 1A. Last evaluated: 2025-02-18. Review status: criteria provided, single submitter. Criteria: Invitae Variant Classification Sherloc (09022015). Collection method: clinical testing. Allele origin: germline.
Comment: This sequence change replaces valine, which is neutral and non-polar, with aspartic acid, which is acidic and polar, at codon 13 of the GJB6 protein (p.Val13Asp). This variant is not present in population databases (gnomAD no frequency). This variant has not been reported in the literature in individuals affected with GJB6-related conditions. Invitae Evidence Modeling of protein sequence and biophysical properties (such as structural, functional, and spatial information, amino acid conservation, physicochemical variation, residue mobility, and thermodynamic stability) indicates that this missense variant is expected to disrupt GJB6 protein function with a positive predictive value of 80%. In summary, the available evidence is currently insufficient to determine the role of this variant in disease. Therefore, it has been classified as a Variant of Uncertain Significance.